The following is an entry in ClinVar:

ClinVar aggregate classification (germline): Uncertain significance (1 of 4 stars; one submission).

Conditions:
Werner syndrome (WRN). Identifiers: Orphanet 902, MedGen C0043119, MONDO:0010196, OMIM 277700.

Submission:

Labcorp Genetics (formerly Invitae), Labcorp
Classification: Uncertain significance for Werner syndrome. Last evaluated: 2021-12-08. Review status: criteria provided, single submitter. Criteria: Invitae Variant Classification Sherloc (09022015). Collection method: clinical testing. Allele origin: germline.
Comment: This variant has not been reported in the literature in individuals affected with WRN-related conditions. In summary, the available evidence is currently insufficient to determine the role of this variant in disease. Therefore, it has been classified as a Variant of Uncertain Significance. Algorithms developed to predict the effect of missense changes on protein structure and function are either unavailable or do not agree on the potential impact of this missense change (SIFT: "Not Available"; PolyPhen-2: "Benign"; Align-GVGD: "Not Available"). This variant is not present in population databases (gnomAD no frequency). This sequence change replaces methionine, which is neutral and non-polar, with valine, which is neutral and non-polar, at codon 1337 of the WRN protein (p.Met1337Val).

NM_000553.6(WRN):c.4009A>G (p.Met1337Val)

Gene: WRN (WRN RecQ like helicase; plus strand). Cytogenetic location: 8p12.
Variant type: single nucleotide variant.
Coding change: c.4009A>G on transcript NM_000553.6 (MANE Select); coding-DNA position 4009, A replaced by G.
Protein change: p.Met1337Val; replaces methionine 1337 with valine.
Molecular consequence: missense variant.
Genome position (GRCh38, 1-based): chr8:31,167,048, A>G. VCF-style: chr8-31167048-A-G. GRCh37 (hg19) VCF-style: chr8-31024564-A-G.
Other names: short protein forms M1337V.
Identifiers: ClinVar variation 1409621 (VCV001409621.6), dbSNP rs2130514224, ClinGen allele CA370908606.